The following is an entry in ClinVar:

ClinVar aggregate classification (germline): Uncertain significance. Review status: criteria provided, multiple submitters, no conflicts (2 of 4 stars). 2 submissions from 2 submitters: Uncertain significance (2). Last evaluated 2024-06-09.

Conditions:
Cardiovascular phenotype. Identifiers: MedGen CN230736.
Epilepsy, idiopathic generalized, susceptibility to, 18. Identifiers: MedGen C5561983, MONDO:0030434, OMIM 619521.

gnomAD v4.1: 8 of 1,366,744 alleles (0.00059%); highest among the groups gnomAD compares: South Asian, 0.012%; no homozygotes.

Submissions (2):

Ambry Genetics
Classification: Uncertain significance for Cardiovascular phenotype. Last evaluated: 2024-06-09. Review status: criteria provided, single submitter. Criteria: Ambry Variant Classification Scheme 2023. Collection method: clinical testing. Allele origin: germline.
Comment: The p.D92G variant (also known as c.275A>G), located in coding exon 1 of the HCN4 gene, results from an A to G substitution at nucleotide position 275. The aspartic acid at codon 92 is replaced by glycine, an amino acid with similar properties. This amino acid position is conserved. In addition, the in silico prediction for this alteration is inconclusive. Based on the available evidence, the clinical significance of this variant remains unclear.

Neuberg Centre For Genomic Medicine, NCGM
Classification: Uncertain significance for Epilepsy, idiopathic generalized, susceptibility to, 18. Review status: criteria provided, single submitter. Criteria: ACMG Guidelines, 2015. Collection method: clinical testing. Allele origin: germline. Inheritance: Autosomal dominant inheritance. Affected: yes.
Comment: The missense c.275A>G p.Asp92Gly variant in HCN4 gene has not been reported previously as a pathogenic variant nor as a benign variant, to our knowledge. The p.Asp92Gly variant is novel not in any individuals in gnomAD Exomes and 1000 Genomes. This variant has not been reported to the ClinVar database.The amino acid change p.Asp92Gly in HCN4 is predicted as conserved by GERP++ and PhyloP across 100 vertebrates. The amino acid Asp at position 92 is changed to a Gly changing protein sequence and it might alter its composition and physico-chemical properties. For these reasons, this variant has been classified as a Variant of Uncertain Significance VUS.

NM_005477.3(HCN4):c.275A>G (p.Asp92Gly)

Gene: HCN4 (hyperpolarization activated cyclic nucleotide gated potassium channel 4; minus strand). Cytogenetic location: 15q24.1.
Variant type: single nucleotide variant.
Coding change: c.275A>G on transcript NM_005477.3 (MANE Select); coding-DNA position 275, A replaced by G.
Protein change: p.Asp92Gly; replaces aspartic acid 92 with glycine.
Molecular consequence: missense variant.
Genome position (GRCh38, 1-based): chr15:73,367,996, T>C on the plus strand (A>G on the coding strand, the complement: HCN4 is on the minus strand). VCF-style: chr15-73367996-T-C. GRCh37 (hg19) VCF-style: chr15-73660337-T-C.
Other names: c.275A>G (NM_005477.2); short protein forms D92G.
Identifiers: ClinVar variation 3234923 (VCV003234923.2), dbSNP rs2549080544, ClinGen allele CA393098517.